The following is an entry in ClinVar:

ClinVar aggregate classification (germline): Uncertain significance. Review status: criteria provided, multiple submitters, no conflicts (2 of 4 stars). 2 submissions from 2 submitters: Uncertain significance (2). Last evaluated 2025-08-23.

Conditions:
Hereditary cancer-predisposing syndrome. Also called: Hereditary Cancer Syndrome; Neoplastic Syndromes, Hereditary; Tumor predisposition; Hereditary neoplastic syndrome. Identifiers: Orphanet 140162, MedGen C0027672, MeSH D009386, MONDO:0015356.
Fanconi anemia (FA). Also called: Fanconi's anemia. Identifiers: Orphanet 84, MedGen C0015625, MeSH D005199, MONDO:0019391.

Submissions (2):

Ambry Genetics
Classification: Uncertain significance for Hereditary cancer-predisposing syndrome. Last evaluated: 2025-08-23. Review status: criteria provided, single submitter. Criteria: Ambry Variant Classification Scheme 2023. Collection method: clinical testing. Allele origin: germline.
Comment: The p.L250F variant (also known as c.748C>T), located in coding exon 7 of the FANCC gene, results from a C to T substitution at nucleotide position 748. The leucine at codon 250 is replaced by phenylalanine, an amino acid with highly similar properties. This amino acid position is conserved. In addition, the in silico prediction for this alteration is inconclusive. Since supporting evidence is limited at this time, the clinical significance of this alteration remains unclear.

Labcorp Genetics (formerly Invitae), Labcorp
Classification: Uncertain significance for Fanconi anemia. Last evaluated: 2021-08-20. Review status: criteria provided, single submitter. Criteria: Invitae Variant Classification Sherloc (09022015). Collection method: clinical testing. Allele origin: germline.
Comment: This sequence change replaces leucine with phenylalanine at codon 250 of the FANCC protein (p.Leu250Phe). The leucine residue is highly conserved and there is a small physicochemical difference between leucine and phenylalanine. This variant is not present in population databases (ExAC no frequency). This variant has not been reported in the literature in individuals affected with FANCC-related conditions. Algorithms developed to predict the effect of missense changes on protein structure and function are either unavailable or do not agree on the potential impact of this missense change (SIFT: "Deleterious"; PolyPhen-2: "Benign"; Align-GVGD: "Class C15"). In summary, the available evidence is currently insufficient to determine the role of this variant in disease. Therefore, it has been classified as a Variant of Uncertain Significance.

NM_000136.3(FANCC):c.748C>T (p.Leu250Phe)

Genes: AOPEP (aminopeptidase O (putative); plus strand), FANCC (FA complementation group C; minus strand). Cytogenetic location: 9q22.32.
Variant type: single nucleotide variant.
Coding change: c.748C>T on transcript NM_000136.3 (MANE Select); coding-DNA position 748, C replaced by T.
Protein change: p.Leu250Phe; replaces leucine 250 with phenylalanine.
Molecular consequence: missense variant.
Genome position (GRCh38, 1-based): chr9:95,135,441, G>A on the plus strand (C>T on the coding strand, the complement: FANCC is on the minus strand). VCF-style: chr9-95135441-G-A. GRCh37 (hg19) VCF-style: chr9-97897723-G-A.
Other names: c.748C>T (NM_000136.2); c.748C>T, p.Leu250Phe (NM_001243743.2, NM_001243744.2); short protein forms L250F.
Identifiers: ClinVar variation 1024372 (VCV001024372.8), dbSNP rs778966663, ClinGen allele CA374109373.